The following is an entry in ClinVar:

NM_004586.3(RPS6KA3):c.1603-5A>G

Gene: RPS6KA3 (ribosomal protein S6 kinase A3; minus strand). Cytogenetic location: Xp22.12.
Variant type: single nucleotide variant.
Coding change: c.1603-5A>G on transcript NM_004586.3 (MANE Select); 5 bases into the intron before coding-DNA position 1603, A replaced by G.
Molecular consequence: intron variant.
Genome position (GRCh38, 1-based): chrX:20,165,065, T>C on the plus strand (A>G on the coding strand, the complement: RPS6KA3 is on the minus strand). VCF-style: chrX-20165065-T-C. GRCh37 (hg19) VCF-style: chrX-20183183-T-C.
Identifiers: ClinVar variation 579151 (VCV000579151.13), dbSNP rs1569194162, ClinGen allele CA891843551.

ClinVar aggregate classification (germline): Pathogenic/Likely pathogenic. Review status: criteria provided, multiple submitters, no conflicts (2 of 4 stars). 3 submissions from 3 submitters: Pathogenic (1); Likely pathogenic (2). Last evaluated 2025-12-08.

Conditions:
Intellectual developmental disorder, X-linked 19. Also called: Intellectual disability, X-linked 19. Identifiers: Orphanet 777, MedGen C0796225, MONDO:0010447, OMIM 300844.
Coffin-Lowry syndrome (CLS). Also called: COFFIN-LOWRY SYNDROME, MILD; Mental retardation with osteocartilaginous abnormalities. Identifiers: Orphanet 192, MedGen C0265252, MONDO:0010561, OMIM 303600.

Submissions (3):

GeneDx
Classification: Pathogenic. Last evaluated: 2025-12-08. Review status: criteria provided, single submitter. Criteria: GeneDx Variant Classification Process June 2021. Collection method: clinical testing. Allele origin: germline. Affected: yes.
Comment: Reported previously in at least one individual with Coffin-Lowry syndrome; however, additional clinical information was not provided (PMID: 16306095); RNA studies demonstrate that this variant leads to aberrant splicing (PMID: 16306095); In silico analysis supports a deleterious effect on splicing; Not observed at significant frequency in large population cohorts (gnomAD); This variant is associated with the following publications: (PMID: 16306095)

Labcorp Genetics (formerly Invitae), Labcorp
Classification: Likely pathogenic for Coffin-Lowry syndrome; Intellectual developmental disorder, X-linked 19. Last evaluated: 2021-10-11. Review status: criteria provided, single submitter. Criteria: Invitae Variant Classification Sherloc (09022015). Collection method: clinical testing. Allele origin: germline.
Comment: This variant is not present in population databases (ExAC no frequency). In summary, the currently available evidence indicates that the variant is pathogenic, but additional data are needed to prove that conclusively. Therefore, this variant has been classified as Likely Pathogenic. Studies have shown that this variant results in altered splicing, which introduces a premature termination codon (PMID: 16306095). The resulting mRNA is expected to undergo nonsense-mediated decay. ClinVar contains an entry for this variant (Variation ID: 579151). This variant has been observed in individuals with clinical features of Coffin Lowry syndrome (PMID: 16306095; Invitae). This sequence change falls in intron 17 of the RPS6KA3 gene. It does not directly change the encoded amino acid sequence of the RPS6KA3 protein. RNA analysis indicates that this variant induces altered splicing and may result in an absent or disrupted protein product.

Revvity Omics, Revvity
Classification: Likely pathogenic. Last evaluated: 2020-06-04. Review status: criteria provided, single submitter. Criteria: ACMG Guidelines, 2015. Collection method: clinical testing. Allele origin: germline.

Literature cited by the submitters: PubMed 16306095 (cited by Labcorp Genetics (formerly Invitae), Labcorp).